The following is an entry in ClinVar:

ClinVar aggregate classification (germline): Benign/Likely benign. Review status: criteria provided, multiple submitters, no conflicts (2 of 4 stars). 9 submissions from 5 submitters: Benign (7); Likely benign (2). Last evaluated 2026-01-01.

Conditions:
Fetal akinesia, respiratory insufficiency, microcephaly, polymicrogyria, and dysmorphic facies. Identifiers: MedGen C5562015, MONDO:0859204, OMIM 619602.
Developmental and epileptic encephalopathy 98. Identifiers: MedGen C5562017, MONDO:0030472, OMIM 619605.
Familial hemiplegic migraine. Identifiers: MedGen C0338484, MONDO:0000700.
Migraine, familial hemiplegic, 2. Identifiers: Orphanet 569, MedGen C1865322, MONDO:0011232, OMIM 602481.
Alternating hemiplegia of childhood 1 (AHC1). Identifiers: Orphanet 2131, MedGen C3549447, MONDO:0007087, OMIM 104290.

Allele frequency attached by ClinVar (database versions not stated): gnomAD below 0.00001 and 0.00009; TOPMed 0.00001; gnomAD exomes 0.00014 and 0.00029; ExAC 0.00037; 1000 Genomes Project 30x 0.00078; 1000 Genomes Project 0.00100.
gnomAD v4.1: 217 of 1,614,120 alleles (0.013%); highest among the groups gnomAD compares: South Asian, 0.23%; 1 homozygote.

Submissions (9):

CeGaT Center for Human Genetics Tuebingen
Classification: Likely benign. Last evaluated: 2026-01-01. Review status: criteria provided, single submitter. Criteria: CeGaT Center For Human Genetics Tuebingen Variant Classification Criteria Version 2. Collection method: clinical testing. Allele origin: germline. Affected: yes. Observed: 1 variant allele.
Comment: ATP1A2: BP4, BS2

Labcorp Genetics (formerly Invitae), Labcorp
Classification: Benign for Familial hemiplegic migraine. Last evaluated: 2025-10-09. Review status: criteria provided, single submitter. Criteria: Invitae Variant Classification Sherloc (09022015). Collection method: clinical testing. Allele origin: germline.

Genome-Nilou Lab
Classification: Benign for Alternating hemiplegia of childhood 1. Last evaluated: 2021-12-05. Review status: criteria provided, single submitter. Criteria: ACMG Guidelines, 2015. Collection method: clinical testing. Allele origin: germline. Affected: no.

Genome-Nilou Lab
Classification: Benign for Developmental and epileptic encephalopathy 98. Last evaluated: 2021-12-05. Review status: criteria provided, single submitter. Criteria: ACMG Guidelines, 2015. Collection method: clinical testing. Allele origin: germline. Affected: no.

Genome-Nilou Lab
Classification: Benign for Fetal akinesia, respiratory insufficiency, microcephaly, polymicrogyria, and dysmorphic facies. Last evaluated: 2021-12-05. Review status: criteria provided, single submitter. Criteria: ACMG Guidelines, 2015. Collection method: clinical testing. Allele origin: germline. Affected: no.

Genome-Nilou Lab
Classification: Benign for Migraine, familial hemiplegic, 2. Last evaluated: 2021-12-05. Review status: criteria provided, single submitter. Criteria: ACMG Guidelines, 2015. Collection method: clinical testing. Allele origin: germline. Affected: no.

Illumina Laboratory Services, Illumina
Classification: Benign for Migraine, familial hemiplegic, 2. Last evaluated: 2018-01-13. Review status: criteria provided, single submitter. Criteria: ICSL Variant Classification Criteria 13 December 2019. Collection method: clinical testing. Allele origin: germline.
Comment: This variant was observed in the ICSL laboratory as part of a predisposition screen in an ostensibly healthy population. It had not been previously curated by ICSL or reported in the Human Gene Mutation Database (HGMD: prior to June 1st, 2018), and was therefore a candidate for classification through an automated scoring system. Utilizing variant allele frequency, disease prevalence and penetrance estimates, and inheritance mode, an automated score was calculated to assess if this variant is too frequent to cause the disease. Based on the score and internal cut-off values, a variant classified as benign is not then subjected to further curation. The score for this variant resulted in a classification of benign for this disease.

Illumina Laboratory Services, Illumina
Classification: Benign for Alternating hemiplegia of childhood 1. Last evaluated: 2018-01-13. Review status: criteria provided, single submitter. Criteria: ICSL Variant Classification Criteria 13 December 2019. Collection method: clinical testing. Allele origin: germline.
Comment: the same text as in the submission from Illumina Laboratory Services, Illumina above.

GeneDx
Classification: Likely benign. Last evaluated: 2016-04-27. Review status: criteria provided, single submitter. Criteria: GeneDx Variant Classification (06012015). Collection method: clinical testing. Allele origin: germline. Affected: yes.
Comment: This variant is considered likely benign or benign based on one or more of the following criteria: it is a conservative change, it occurs at a poorly conserved position in the protein, it is predicted to be benign by multiple in silico algorithms, and/or has population frequency not consistent with disease.

NM_000702.4(ATP1A2):c.2564-8A>G

Gene: ATP1A2 (ATPase Na+/K+ transporting subunit alpha 2; plus strand). Cytogenetic location: 1q23.2.
Variant type: single nucleotide variant.
Coding change: c.2564-8A>G on transcript NM_000702.4 (MANE Select); 8 bases into the intron before coding-DNA position 2564, A replaced by G.
Molecular consequence: intron variant.
Genome position (GRCh38, 1-based): chr1:160,136,562, A>G. VCF-style: chr1-160136562-A-G. GRCh37 (hg19) VCF-style: chr1-160106352-A-G.
Identifiers: ClinVar variation 385689 (VCV000385689.23), dbSNP rs554846350, ClinGen allele CA1194797.